The following is an entry in ClinVar:

ClinVar aggregate classification (germline): Uncertain significance (1 of 4 stars; one submission).

Conditions:
Arrhythmogenic right ventricular cardiomyopathy (ARVD). Also called: Arrhythmogenic right ventricular dysplasia; Cardiomyopathy, ARVC; Arrhythmogenic cardiomyopathy; Arrhythmogenic Right Ventricular Cardiomyopathy (ARVC). Identifiers: Orphanet 247, MedGen C0349788, MeSH D019571, MONDO:0016587. Disease mechanism: loss of function. Inheritance: Various modes of inheritance.

Submission:

All of Us Research Program, National Institutes of Health
Classification: Uncertain significance for Arrhythmogenic right ventricular cardiomyopathy. Last evaluated: 2024-01-11. Review status: criteria provided, single submitter. Criteria: ACMG Guidelines, 2015. Collection method: clinical testing. Allele origin: germline. Inheritance: Autosomal dominant inheritance. Observed: 2 variant alleles, 2 heterozygotes.
Comment: This missense variant replaces histidine with tyrosine at codon 461 of the PKP2 protein. Computational prediction suggests that this variant may not impact protein structure and function (internally defined REVEL score threshold <= 0.5, PMID: 27666373). To our knowledge, functional studies have not been reported for this variant. This variant has not been reported in individuals affected with PKP2-related disorders in the literature. This variant has not been identified in the general population by the Genome Aggregation Database (gnomAD). The available evidence is insufficient to determine the role of this variant in disease conclusively. Therefore, this variant is classified as a Variant of Uncertain Significance.

This study involves interpretation of variants in research participants for the purpose of population health screening. Participant phenotype was not available at the time of variant classification. Additional details can be found in publication PMID: 35346344, PMCID: PMC8962531

NM_001005242.3(PKP2):c.1379-2106C>T

Gene: PKP2 (plakophilin 2; minus strand). Cytogenetic location: 12p11.21.
Variant type: single nucleotide variant.
Coding change: c.1379-2106C>T on transcript NM_001005242.3 (MANE Select); 2106 bases into the intron before coding-DNA position 1379, C replaced by T.
Molecular consequence: intron variant. On other transcripts: missense variant (2).
Genome position (GRCh38, 1-based): chr12:32,843,311, G>A on the plus strand (C>T on the coding strand, the complement: PKP2 is on the minus strand). VCF-style: chr12-32843311-G-A. GRCh37 (hg19) VCF-style: chr12-32996245-G-A.
Other names: c.1381C>T, p.His461Tyr (NM_001407157.1, NM_004572.4); c.1379-2106C>T (NM_001407156.1, NM_001407155.1, NM_001407161.1); c.1052-2106C>T (NM_001407160.1, NM_001407159.1, NM_001407158.1 and 1 more transcripts); short protein forms H461Y.
Identifiers: ClinVar variation 3072053 (VCV003072053.1), dbSNP rs2541270619, ClinGen allele CA384368858.